The following is an entry in ClinVar:

NM_000709.4(BCKDHA):c.114C>T (p.Pro38=)

Gene: BCKDHA (branched chain keto acid dehydrogenase E1 subunit alpha; plus strand). Cytogenetic location: 19q13.2.
Variant type: single nucleotide variant.
Coding change: c.114C>T on transcript NM_000709.4 (MANE Select); coding-DNA position 114, C replaced by T.
Protein change: p.Pro38=; no amino-acid change (proline 38 retained).
Molecular consequence: synonymous variant.
Genome position (GRCh38, 1-based): chr19:41,410,642, C>T. VCF-style: chr19-41410642-C-T. GRCh37 (hg19) VCF-style: chr19-41916547-C-T.
Other names: c.114C>T, p.Pro38= (NM_001164783.2).
Identifiers: ClinVar variation 93338 (VCV000093338.20), dbSNP rs11549935, ClinGen allele CA146868.

ClinVar aggregate classification (germline): Benign. Review status: criteria provided, multiple submitters, no conflicts (2 of 4 stars). 7 submissions from 7 submitters: Benign (6). 1 of the submissions does not count toward it. Last evaluated 2026-02-04.

Conditions:
Maple syrup urine disease type 1A (MSUD1A). Also called: MSUD type 1A. Identifiers: MedGen C1855369, MONDO:0023691, OMIM 248600.
Maple syrup urine disease (MSUD). Identifiers: Orphanet 511, MedGen C0024776, MeSH D008375, MONDO:0009563. Disease mechanism: loss of function.

Allele frequency attached by ClinVar (database versions not stated): ESP Exome Variant Server 0.03891; TOPMed 0.03943; 1000 Genomes Project 0.04133; 1000 Genomes Project 30x 0.04201.
gnomAD v4.1: 10,708 of 1,614,130 alleles (0.66%); highest among the groups gnomAD compares: African/African-American, 12%; 559 homozygotes.

Submissions (7):

Labcorp Genetics (formerly Invitae), Labcorp
Classification: Benign for Maple syrup urine disease. Last evaluated: 2026-02-04. Review status: criteria provided, single submitter. Criteria: Invitae Variant Classification Sherloc (09022015). Collection method: clinical testing. Allele origin: germline.

Illumina Laboratory Services, Illumina
Classification: Benign for Maple syrup urine disease type 1A. Last evaluated: 2018-01-13. Review status: criteria provided, single submitter. Criteria: ICSL Variant Classification Criteria 13 December 2019. Collection method: clinical testing. Allele origin: germline.
Comment: This variant was observed in the ICSL laboratory as part of a predisposition screen in an ostensibly healthy population. It had not been previously curated by ICSL or reported in the Human Gene Mutation Database (HGMD: prior to June 1st, 2018), and was therefore a candidate for classification through an automated scoring system. Utilizing variant allele frequency, disease prevalence and penetrance estimates, and inheritance mode, an automated score was calculated to assess if this variant is too frequent to cause the disease. Based on the score and internal cut-off values, a variant classified as benign is not then subjected to further curation. The score for this variant resulted in a classification of benign for this disease.

GeneDx
Classification: Benign. Last evaluated: 2016-02-08. Review status: criteria provided, single submitter. Criteria: GeneDx Variant Classification (06012015). Collection method: clinical testing. Allele origin: germline. Affected: yes.
Comment: This variant is considered likely benign or benign based on one or more of the following criteria: it is a conservative change, it occurs at a poorly conserved position in the protein, it is predicted to be benign by multiple in silico algorithms, and/or has population frequency not consistent with disease.

Eurofins Ntd Llc (ga)
Classification: Benign. Last evaluated: 2013-08-23. Review status: criteria provided, single submitter. Criteria: EGL Classification Definitions 2015. Collection method: clinical testing. Allele origin: germline. Observed: 8 variant alleles, 6 heterozygotes, 2 homozygotes.

Breakthrough Genomics
Classification: Benign. Review status: criteria provided, single submitter. Criteria: ACMG Guidelines, 2015. Collection method: not provided. Allele origin: germline. Inheritance: Autosomal recessive inheritance. Affected: yes.

PreventionGenetics, part of Exact Sciences
Classification: Benign. Review status: criteria provided, single submitter. Criteria: ACMG Guidelines, 2015. Collection method: clinical testing. Allele origin: germline.

Natera, Inc.
Classification: Benign for Maple syrup urine disease type 1A. Last evaluated: 2020-09-16. Review status: no assertion criteria provided. Collection method: clinical testing. Allele origin: germline. Not counted in ClinVar's aggregate classification.